The following is an entry in ClinVar:

NM_001372044.2(SHANK3):c.2300+10G>A

Gene: SHANK3 (SH3 and multiple ankyrin repeat domains 3; plus strand). Cytogenetic location: 22q13.33.
Variant type: single nucleotide variant.
Coding change: c.2300+10G>A on transcript NM_001372044.2 (MANE Select); 10 bases into the intron after coding-DNA position 2300, G replaced by A.
Molecular consequence: intron variant.
Genome position (GRCh38, 1-based): chr22:50,706,162, G>A. VCF-style: chr22-50706162-G-A. GRCh37 (hg19) VCF-style: chr22-51144590-G-A.
Identifiers: ClinVar variation 1252138 (VCV001252138.34), dbSNP rs202200715, ClinGen allele CA10325764.

ClinVar aggregate classification (germline): Benign/Likely benign. Review status: criteria provided, multiple submitters, no conflicts (2 of 4 stars). 3 submissions from 3 submitters: Benign (1); Likely benign (2). Last evaluated 2026-08-01.

Allele frequency attached by ClinVar (database versions not stated): 1000 Genomes Project 0.00040; 1000 Genomes Project 30x 0.00047; gnomAD 0.00087 and 0.00084; TOPMed 0.00095; gnomAD exomes 0.00120; ExAC 0.00219.

Submissions (3):

CeGaT Center for Human Genetics Tuebingen
Classification: Likely benign. Last evaluated: 2026-08-01. Review status: criteria provided, single submitter. Criteria: CeGaT Center For Human Genetics Tuebingen Variant Classification Criteria Version 2. Collection method: clinical testing. Allele origin: germline. Affected: yes. Observed: 4 variant alleles.
Comment: SHANK3: BS1

Blueprint Genetics
Classification: Likely benign. Last evaluated: 2024-11-23. Review status: criteria provided, single submitter. Criteria: ACMG Guidelines, 2015. Collection method: clinical testing. Allele origin: germline.

GeneDx
Classification: Benign. Last evaluated: 2020-09-04. Review status: criteria provided, single submitter. Criteria: GeneDx Variant Classification Process June 2021. Collection method: clinical testing. Allele origin: germline. Affected: yes.